The following is an entry in ClinVar:

ClinVar aggregate classification (germline): Conflicting classifications of pathogenicity. Review status: criteria provided, conflicting classifications (1 of 4 stars). 3 submissions from 3 submitters: Uncertain significance (2); Likely benign (1). Last evaluated 2025-11-10.

Conditions:
Hereditary breast ovarian cancer syndrome. Also called: Hereditary breast and ovarian cancer syndrome; Hereditary breast and ovarian cancer syndrome (HBOC); BRCA1- and BRCA2-Associated Hereditary Breast and Ovarian Cancer; Hereditary breast and/or ovarian cancer syndrome; Hereditary breast and ovarian cancer; Breast and ovarian cancer. Identifiers: Orphanet 145, MedGen C0677776, MeSH D061325, MONDO:0003582. Disease mechanism: loss of function.
Hereditary cancer-predisposing syndrome. Also called: Neoplastic Syndromes, Hereditary; Tumor predisposition; Hereditary neoplastic syndrome; Hereditary Cancer Syndrome. Identifiers: Orphanet 140162, MedGen C0027672, MeSH D009386, MONDO:0015356.

Allele frequency attached by ClinVar (database versions not stated): gnomAD exomes below 0.00001.
gnomAD v4.1: 1 of 1,614,110 alleles (0.000062%); no homozygotes.

Submissions (3):

Labcorp Genetics (formerly Invitae), Labcorp
Classification: Uncertain significance for Hereditary breast ovarian cancer syndrome. Last evaluated: 2025-11-10. Review status: criteria provided, single submitter. Criteria: Invitae Variant Classification Sherloc (09022015). Collection method: clinical testing. Allele origin: germline.
Comment: This sequence change replaces glycine, which is neutral and non-polar, with serine, which is neutral and polar, at codon 949 of the BRCA1 protein (p.Gly949Ser). This variant is present in population databases (no rsID available, gnomAD 0.004%). This variant has not been reported in the literature in individuals affected with BRCA1-related conditions. ClinVar contains an entry for this variant (Variation ID: 579135). Invitae Evidence Modeling of protein sequence and biophysical properties (such as structural, functional, and spatial information, amino acid conservation, physicochemical variation, residue mobility, and thermodynamic stability) indicates that this missense variant is not expected to disrupt BRCA1 protein function with a negative predictive value of 80%. In summary, the available evidence is currently insufficient to determine the role of this variant in disease. Therefore, it has been classified as a Variant of Uncertain Significance.

Quest Diagnostics Nichols Institute San Juan Capistrano
Classification: Uncertain significance. Last evaluated: 2024-01-11. Review status: criteria provided, single submitter. Criteria: Quest Diagnostics criteria. Collection method: clinical testing. Allele origin: unknown.
Comment: The BRCA1 c.2845G>A (p.Gly949Ser) variant has not been reported in individuals with BRCA1-related conditions in the published literature. However, it has been described to be located in a region of the BRCA2 gene that is tolerant to missense sequence changes (PMID: 31911673 (2020)). In addition, this variant has been reported as functionally neutral based on published computational analysis (PMIDs: 29884841 (2019), 32377563 (2020), and 33087888 (2021)). The frequency of this variant in the general population, 0.000004 (1/251332 chromosomes (Genome Aggregation Database)), is uninformative in the assessment of its pathogenicity. Analysis of this variant using bioinformatics tools for the prediction of the effect of amino acid changes on protein structure and function yielded predictions that this variant is benign. Based on the available information, we are unable to determine the clinical significance of this variant.

University of Washington Department of Laboratory Medicine, University of Washington
Classification: Likely benign for Hereditary cancer-predisposing syndrome. Last evaluated: 2023-03-23. Review status: criteria provided, single submitter. Criteria: Dines et al. (Genet Med. 2020). Collection method: curation. Allele origin: germline.
Comment: Missense variant in a coldspot region where missense variants are very unlikely to be pathogenic (PMID:31911673).

BRCA1 coldspot (exon 11 using historical exon numbering). Reclassification based on statistical prior probability

Literature cited by the submitters: PubMed 31911673 (cited by Quest Diagnostics Nichols Institute San Juan Capistrano); PubMed 32377563 (cited by Quest Diagnostics Nichols Institute San Juan Capistrano); PubMed 33087888 (cited by Quest Diagnostics Nichols Institute San Juan Capistrano); PubMed 29884841 (cited by Quest Diagnostics Nichols Institute San Juan Capistrano).

NM_007294.4(BRCA1):c.2845G>A (p.Gly949Ser)

Gene: BRCA1 (BRCA1 DNA repair associated; minus strand). Cytogenetic location: 17q21.31.
Variant type: single nucleotide variant.
Coding change: c.2845G>A on transcript NM_007294.4 (MANE Select); coding-DNA position 2845, G replaced by A.
Protein change: p.Gly949Ser; replaces glycine 949 with serine.
Molecular consequence: missense variant. On other transcripts: intron variant (137).
Genome position (GRCh38, 1-based): chr17:43,092,686, C>T on the plus strand (G>A on the coding strand, the complement: BRCA1 is on the minus strand). VCF-style: chr17-43092686-C-T. GRCh37 (hg19) VCF-style: chr17-41244703-C-T.
Other names: c.2722G>A, p.Gly908Ser (NM_001407682.1, NM_001407683.1, NM_001407648.1 and 19 more transcripts); c.2845G>A, p.Gly949Ser (NM_001407684.1, NM_001407639.1, NM_001407640.1 and 30 more transcripts); c.707-1654G>A (NM_001408416.1, NM_001408413.1); c.578-1654G>A (NM_001408484.1, NM_001408478.1, NM_001408481.1 and 9 more transcripts); c.662-1654G>A (NM_001408450.1, NM_001408434.1, NM_001408446.1 and 6 more transcripts); c.2719G>A, p.Gly907Ser (NM_001407685.1, NM_001407686.1, NM_001407690.1 and 11 more transcripts); c.671-1654G>A (NM_001408418.1, NM_001408423.1, NM_001408420.1 and 2 more transcripts); c.788-1654G>A (NM_001407981.1, NM_007298.4, NM_001407978.1 and 17 more transcripts); and 41 more; short protein forms G949S, G902S, G838S, G901S, G908S, G923S, G946S, G653S.
Identifiers: ClinVar variation 579135 (VCV000579135.13), dbSNP rs1324818767, ClinGen allele CA10596299.